The following is an entry in ClinVar:

NM_000548.5(TSC2):c.1361+18G>C

Gene: TSC2 (TSC complex subunit 2; plus strand). Cytogenetic location: 16p13.3.
Variant type: single nucleotide variant.
Coding change: c.1361+18G>C on transcript NM_000548.5 (MANE Select); 18 bases into the intron after coding-DNA position 1361, G replaced by C.
Molecular consequence: intron variant.
Genome position (GRCh38, 1-based): chr16:2,062,618, G>C. VCF-style: chr16-2062618-G-C. GRCh37 (hg19) VCF-style: chr16-2112619-G-C.
Other names: c.1361+18G>C (NM_000548.4, NM_001114382.3, NM_021055.3 and 4 more transcripts); c.1250+18G>C (NM_001318827.2); c.761+18G>C (NM_001318831.2); c.1214+18G>C (NM_001318829.2); c.1394+18G>C (NM_001318832.2).
Identifiers: ClinVar variation 137738 (VCV000137738.52), dbSNP rs140223009, ClinGen allele CA014507.

ClinVar aggregate classification (germline): Benign/Likely benign. Review status: criteria provided, multiple submitters, no conflicts (2 of 4 stars). 9 submissions from 9 submitters: Benign (7); Likely benign (2). Last evaluated 2026-08-01.

Conditions:
Tuberous sclerosis 2 (TSC2). Identifiers: Orphanet 805, MedGen C1860707, MONDO:0013199, OMIM 613254.

Allele frequency attached by ClinVar (database versions not stated): gnomAD exomes 0.00082; ExAC 0.00171; gnomAD 0.00350; 1000 Genomes Project 0.00359; 1000 Genomes Project 30x 0.00359; TOPMed 0.00393; ESP Exome Variant Server 0.00447.
gnomAD v4.1: 995 of 1,589,900 alleles (0.063%); highest among the groups gnomAD compares: African/African-American, 1.2%; 6 homozygotes.

Submissions (9):

CeGaT Center for Human Genetics Tuebingen
Classification: Likely benign. Last evaluated: 2026-08-01. Review status: criteria provided, single submitter. Criteria: CeGaT Center For Human Genetics Tuebingen Variant Classification Criteria Version 2. Collection method: clinical testing. Allele origin: germline. Affected: yes. Observed: 5 variant alleles.
Comment: TSC2: BS1

Labcorp Genetics (formerly Invitae), Labcorp
Classification: Benign for Tuberous sclerosis 2. Last evaluated: 2026-02-04. Review status: criteria provided, single submitter. Criteria: Invitae Variant Classification Sherloc (09022015). Collection method: clinical testing. Allele origin: germline.

ARUP Laboratories, Molecular Genetics and Genomics, ARUP Laboratories
Classification: Benign. Last evaluated: 2025-05-15. Review status: criteria provided, single submitter. Criteria: ARUP Molecular Germline Variant Investigation Process 2024. Collection method: clinical testing. Allele origin: germline.

Blueprint Genetics
Classification: Likely benign. Last evaluated: 2024-05-29. Review status: criteria provided, single submitter. Criteria: ACMG Guidelines, 2015. Collection method: clinical testing. Allele origin: germline.

KCCC/NGS Laboratory, Kuwait Cancer Control Center
Classification: Benign for Tuberous sclerosis 2. Last evaluated: 2023-07-07. Review status: criteria provided, single submitter. Criteria: ACMG Guidelines, 2015. Collection method: clinical testing. Allele origin: germline. Affected: yes.

Genome-Nilou Lab
Classification: Benign for Tuberous sclerosis 2. Last evaluated: 2021-11-07. Review status: criteria provided, single submitter. Criteria: ACMG Guidelines, 2015. Collection method: clinical testing. Allele origin: germline. Affected: no.

GeneDx
Classification: Benign. Last evaluated: 2013-03-01. Review status: criteria provided, single submitter. Criteria: GeneDx Variant Classification (06012015). Collection method: clinical testing. Allele origin: germline. Affected: yes.
Comment: This variant is considered likely benign or benign based on one or more of the following criteria: it is a conservative change, it occurs at a poorly conserved position in the protein, it is predicted to be benign by multiple in silico algorithms, and/or has population frequency not consistent with disease.

Breakthrough Genomics
Classification: Benign. Review status: criteria provided, single submitter. Criteria: ACMG Guidelines, 2015. Collection method: not provided. Allele origin: germline. Inheritance: Autosomal dominant inheritance. Affected: yes.

PreventionGenetics, part of Exact Sciences
Classification: Benign. Review status: criteria provided, single submitter. Criteria: ACMG Guidelines, 2015. Collection method: clinical testing. Allele origin: germline.